The following is an entry in ClinVar:

ClinVar aggregate classification (germline): Uncertain significance (1 of 4 stars; one submission).

Conditions:
Hyperprolinemia type 2 (HYRPRO2). Also called: 1-PYRROLINE-5-CARBOXYLATE DEHYDROGENASE DEFICIENCY; Deficiency of pyrroline-5-carboxylate reductase; Delta-1-pyrroline-5-carboxylate dehydrogenase deficiency. Identifiers: Orphanet 79101, MedGen C2931835, MONDO:0009401, OMIM 239510.

Allele frequency attached by ClinVar (database versions not stated): gnomAD 0.00001; TOPMed 0.00002; ExAC 0.00005; gnomAD exomes 0.00006.
gnomAD v4.1: 25 of 1,613,146 alleles (0.0015%); highest among the groups gnomAD compares: East Asian, 0.011%; no homozygotes.

Submission:

Labcorp Genetics (formerly Invitae), Labcorp
Classification: Uncertain significance for Hyperprolinemia type 2. Last evaluated: 2020-12-30. Review status: criteria provided, single submitter. Criteria: Invitae Variant Classification Sherloc (09022015). Collection method: clinical testing. Allele origin: germline.
Comment: This sequence change replaces arginine with glutamine at codon 198 of the ALDH4A1 protein (p.Arg198Gln). The arginine residue is highly conserved and there is a small physicochemical difference between arginine and glutamine. This variant is present in population databases (rs752816518, ExAC 0.01%). This variant has not been reported in the literature in individuals with ALDH4A1-related conditions. Algorithms developed to predict the effect of missense changes on protein structure and function are either unavailable or do not agree on the potential impact of this missense change (SIFT: "Tolerated"; PolyPhen-2: "Probably Damaging"; Align-GVGD: "Class C0"). In summary, the available evidence is currently insufficient to determine the role of this variant in disease. Therefore, it has been classified as a Variant of Uncertain Significance.

NM_003748.4(ALDH4A1):c.593G>A (p.Arg198Gln)

Gene: ALDH4A1 (aldehyde dehydrogenase 4 family member A1; minus strand). Cytogenetic location: 1p36.13.
Variant type: single nucleotide variant.
Coding change: c.593G>A on transcript NM_003748.4 (MANE Select); coding-DNA position 593, G replaced by A.
Protein change: p.Arg198Gln; replaces arginine 198 with glutamine.
Molecular consequence: missense variant.
Genome position (GRCh38, 1-based): chr1:18,883,289, C>T on the plus strand (G>A on the coding strand, the complement: ALDH4A1 is on the minus strand). VCF-style: chr1-18883289-C-T. GRCh37 (hg19) VCF-style: chr1-19209783-C-T.
Other names: c.413G>A, p.Arg138Gln (NM_001161504.2); c.593G>A, p.Arg198Gln (NM_001319218.2, NM_170726.3); short protein forms R138Q, R198Q.
Identifiers: ClinVar variation 1477498 (VCV001477498.7), dbSNP rs752816518, ClinGen allele CA647316.
Genomic context (GRCh38, chr1:18,883,289, plus strand): 5'-CCATGGCATTGGGCTGCCCCGCCTGCTCGCCCACTGCCTCCTGCAGGTACCTCCAGACCC[C>T]GGTACACCGTGCTGTTGGTGCTCGGGGGCACGCTGATGGGCTGCTGCCCCTCCAGCTCCA-3'
Protein context (NP_003739.2, residues 188-208): VPPSTNSTVY[Arg198Gln]GLEGFVAAIS